The following is an entry in ClinVar:

NM_001005337.3(PKP1):c.456G>A (p.Ala152=)

Gene: PKP1 (plakophilin 1; plus strand). Cytogenetic location: 1q32.1.
Variant type: single nucleotide variant.
Coding change: c.456G>A on transcript NM_001005337.3 (MANE Select); coding-DNA position 456, G replaced by A.
Protein change: p.Ala152=; no amino-acid change (alanine 152 retained).
Molecular consequence: synonymous variant.
Genome position (GRCh38, 1-based): chr1:201,313,315, G>A. VCF-style: chr1-201313315-G-A. GRCh37 (hg19) VCF-style: chr1-201282443-G-A.
Other names: c.456G>A (NM_001005337.2); c.456G>A, p.Ala152= (NM_000299.4).
Identifiers: ClinVar variation 2069933 (VCV002069933.6), dbSNP rs759293051, ClinGen allele CA1324086.

ClinVar aggregate classification (germline): Likely benign. Review status: criteria provided, single submitter (1 of 4 stars). 2 submissions from 2 submitters: Likely benign (1). 1 of the submissions does not count toward it. Last evaluated 2022-05-22.

Conditions:
PKP1-related disorder. Also called: PKP1-related condition.

Allele frequency attached by ClinVar (database versions not stated): ExAC 0.00004.
gnomAD v4.1: 99 of 1,594,052 alleles (0.0062%); highest among the groups gnomAD compares: Middle Eastern, 0.017%; no homozygotes.

Submissions (2):

Labcorp Genetics (formerly Invitae), Labcorp
Classification: Likely benign. Last evaluated: 2022-05-22. Review status: criteria provided, single submitter. Criteria: Invitae Variant Classification Sherloc (09022015). Collection method: clinical testing. Allele origin: germline.

PreventionGenetics, part of Exact Sciences
Classification: Likely benign for PKP1-related condition. Last evaluated: 2019-03-27. Review status: no assertion criteria provided. Collection method: clinical testing. Allele origin: germline. Not counted in ClinVar's aggregate classification.
Comment: This variant is classified as likely benign based on ACMG/AMP sequence variant interpretation guidelines (Richards et al. 2015 PMID: 25741868, with internal and published modifications).